The following is an entry in ClinVar:

ClinVar aggregate classification (germline): Likely pathogenic. Review status: criteria provided, multiple submitters, no conflicts (2 of 4 stars). 2 submissions from 2 submitters: Likely pathogenic (2). Last evaluated 2025-01-29.

Allele frequency attached by ClinVar (database versions not stated): TOPMed 0.00001.

Submissions (3):

Mayo Clinic Laboratories, Mayo Clinic
Classification: Likely pathogenic. Last evaluated: 2025-01-29. Review status: criteria provided, single submitter. Criteria: ACMG Guidelines, 2015. Collection method: clinical testing. Allele origin: germline. Observed: 2 variant alleles.
Comment: PP3_moderate, PM2_supporting, PM5, PS4_moderate

ARUP Laboratories, Molecular Genetics and Genomics, ARUP Laboratories
Classification: Likely pathogenic. Last evaluated: 2017-08-14. Review status: criteria provided, single submitter. Criteria: ARUP Molecular Germline Variant Investigation Process. Collection method: clinical testing. Allele origin: germline.

Dr. Peter K. Rogan Lab, Western University
No classification provided (evidence only). Condition: Nonpapillary renal cell carcinoma. Review status: no classification provided. Collection method: in vitro. Allele origin: not applicable. Functional consequence: retained intron. Not counted in ClinVar's aggregate classification.

Literature cited by the submitters: PubMed 16786531 (cited by Mayo Clinic Laboratories, Mayo Clinic); PubMed 29296726 (cited by Mayo Clinic Laboratories, Mayo Clinic).

NM_000132.4(F8):c.5939A>G (p.His1980Arg)

Gene: F8 (coagulation factor VIII; minus strand). Cytogenetic location: Xq28.
Variant type: single nucleotide variant.
Coding change: c.5939A>G on transcript NM_000132.4 (MANE Select); coding-DNA position 5939, A replaced by G.
Protein change: p.His1980Arg; replaces histidine 1980 with arginine.
Molecular consequence: missense variant.
Genome position (GRCh38, 1-based): chrX:154,903,965, T>C on the plus strand (A>G on the coding strand, the complement: F8 is on the minus strand). VCF-style: chrX-154903965-T-C. GRCh37 (hg19) VCF-style: chrX-154132240-T-C.
Other names: NC_000023.10:g.154132240T>C; short protein forms H1980R.
Identifiers: ClinVar variation 618112 (VCV000618112.11), dbSNP rs1569559516, ClinGen allele CA414905820.